The following is an entry in ClinVar:

NM_004281.4(BAG3):c.386C>T (p.Ala129Val)

Gene: BAG3 (BAG cochaperone 3; plus strand). Cytogenetic location: 10q26.11.
Variant type: single nucleotide variant.
Coding change: c.386C>T on transcript NM_004281.4 (MANE Select); coding-DNA position 386, C replaced by T.
Protein change: p.Ala129Val; replaces alanine 129 with valine.
Molecular consequence: missense variant.
Genome position (GRCh38, 1-based): chr10:119,670,056, C>T. VCF-style: chr10-119670056-C-T. GRCh37 (hg19) VCF-style: chr10-121429568-C-T.
Other names: short protein forms A129V.
Identifiers: ClinVar variation 228457 (VCV000228457.19), dbSNP rs876657747, ClinGen allele CA10576776.

ClinVar aggregate classification (germline): Conflicting classifications of pathogenicity. Review status: criteria provided, conflicting classifications (1 of 4 stars). 5 submissions from 5 submitters: Uncertain significance (3); Likely benign (2). Last evaluated 2025-07-09.

Conditions:
Cardiovascular phenotype. Identifiers: MedGen CN230736.
Dilated cardiomyopathy 1HH (CMD1HH). Identifiers: Orphanet 154, MedGen C3151293, MONDO:0013479, OMIM 613881.
Myofibrillar myopathy 6. Identifiers: Orphanet 199340, MedGen C2751831, MONDO:0013061, OMIM 612954.

Allele frequency attached by ClinVar (database versions not stated): gnomAD exomes 0.00001; TOPMed 0.00001; gnomAD 0.00002.
gnomAD v4.1: 25 of 1,614,106 alleles (0.0015%); highest among the groups gnomAD compares: Admixed American, 0.005%; no homozygotes.

Submissions (5):

Labcorp Genetics (formerly Invitae), Labcorp
Classification: Likely benign for Dilated cardiomyopathy 1HH; Myofibrillar myopathy 6. Last evaluated: 2025-07-09. Review status: criteria provided, single submitter. Criteria: Invitae Variant Classification Sherloc (09022015). Collection method: clinical testing. Allele origin: germline.

Ambry Genetics
Classification: Likely benign for Cardiovascular phenotype. Last evaluated: 2025-07-03. Review status: criteria provided, single submitter. Criteria: Ambry Variant Classification Scheme 2023. Collection method: clinical testing. Allele origin: germline.

Fulgent Genetics
Classification: Uncertain significance for Myofibrillar myopathy 6; Dilated cardiomyopathy 1HH. Last evaluated: 2021-09-03. Review status: criteria provided, single submitter. Criteria: ACMG Guidelines, 2015. Collection method: clinical testing. Allele origin: unknown.

GeneDx
Classification: Uncertain significance. Last evaluated: 2021-04-14. Review status: criteria provided, single submitter. Criteria: GeneDx Variant Classification Process June 2021. Collection method: clinical testing. Allele origin: germline. Affected: yes.
Comment: Has not been previously published as pathogenic or benign to our knowledge; Reported in ClinVar as a variant of uncertain significance (ClinVar Variant ID#228457; Landrum et al., 2016); Not observed at a significant frequency in large population cohorts (Lek et al., 2016); In silico analysis supports that this missense variant does not alter protein structure/function

Laboratory for Molecular Medicine, Mass General Brigham Personalized Medicine
Classification: Uncertain significance. Last evaluated: 2015-04-27. Review status: criteria provided, single submitter. Criteria: LMM Criteria. Collection method: clinical testing. Allele origin: germline. Observed: 1 variant allele.
Comment: Variant classified as Uncertain Significance - Favor Benign. The p.Ala129Val var iant in BAG3 has not been previously reported in individuals with cardiomyopathy or in large population studies. Alanine (Ala) at position 129 is not conserved in mammals or evolutionarily distant species and at least 2 mammals (gibbon, bus hbaby) carry a valine (Val) at this position, raising the possibility that this change may be tolerated. In summary, while the clinical significance of the p.Al a129Val variant is uncertain, these data suggest that it is more likely to be be nign.